The following is an entry in ClinVar:

ClinVar aggregate classification (germline): Pathogenic (1 of 4 stars; one submission).

gnomAD v4.1: 2 of 1,613,984 alleles (0.00012%); highest among the groups gnomAD compares: South Asian, 0.0022%; no homozygotes.

Submission:

Labcorp Genetics (formerly Invitae), Labcorp
Classification: Pathogenic. Last evaluated: 2022-08-22. Review status: criteria provided, single submitter. Criteria: Invitae Variant Classification Sherloc (09022015). Collection method: clinical testing. Allele origin: germline.
Comment: For these reasons, this variant has been classified as Pathogenic. This premature translational stop signal has been observed in individual(s) with deafness (PMID: 27610647). This variant is not present in population databases (gnomAD no frequency). This sequence change creates a premature translational stop signal (p.Cys145*) in the ESRRB gene. It is expected to result in an absent or disrupted protein product. Loss-of-function variants in ESRRB are known to be pathogenic (PMID: 18179891).

Literature cited by the submitters: PubMed 27610647; PubMed 18179891.

NM_001379180.1(ESRRB):c.498C>A (p.Cys166Ter)

Gene: ESRRB (estrogen related receptor beta; plus strand). Cytogenetic location: 14q24.3.
Variant type: single nucleotide variant.
Coding change: c.498C>A on transcript NM_001379180.1 (MANE Select); coding-DNA position 498, C replaced by A.
Protein change: p.Cys166Ter; replaces cysteine 166 with a stop codon.
Molecular consequence: nonsense.
Genome position (GRCh38, 1-based): chr14:76,462,582, C>A. VCF-style: chr14-76462582-C-A. GRCh37 (hg19) VCF-style: chr14-76928925-C-A.
Other names: c.450C>A, p.Cys150Ter (NM_001411038.1); c.435C>A, p.Cys145Ter (NM_004452.4); short protein forms C150*, C145*, C166*.
Identifiers: ClinVar variation 2137608 (VCV002137608.4), dbSNP rs1064439, ClinGen allele CA390476655.